The following is an entry in ClinVar:

ClinVar aggregate classification (germline): Uncertain significance (1 of 4 stars; one submission).

Submission:

GeneDx
Classification: Uncertain significance. Last evaluated: 2020-08-25. Review status: criteria provided, single submitter. Criteria: GeneDx Variant Classification Process June 2021. Collection method: clinical testing. Allele origin: germline. Affected: yes.
Comment: Not observed in large population cohorts (Lek 2016); In silico analysis supports that this missense variant does not alter protein structure/function; Has not been previously published as pathogenic or benign to our knowledge

NM_024675.4(PALB2):c.605T>C (p.Leu202Pro)

Gene: PALB2 (partner and localizer of BRCA2; minus strand). Cytogenetic location: 16p12.2.
Variant type: single nucleotide variant.
Coding change: c.605T>C on transcript NM_024675.4 (MANE Select); coding-DNA position 605, T replaced by C.
Protein change: p.Leu202Pro; replaces leucine 202 with proline.
Molecular consequence: missense variant.
Genome position (GRCh38, 1-based): chr16:23,635,941, A>G on the plus strand (T>C on the coding strand, the complement: PALB2 is on the minus strand). VCF-style: chr16-23635941-A-G. GRCh37 (hg19) VCF-style: chr16-23647262-A-G.
Other names: short protein forms L202P.
Identifiers: ClinVar variation 1321054 (VCV001321054.2), dbSNP rs2142439333, ClinGen allele CA395136670.